The following is an entry in ClinVar:

NM_017654.4(SAMD9):c.1502A>G (p.Asp501Gly)

Gene: SAMD9 (sterile alpha motif domain containing 9; minus strand). Cytogenetic location: 7q21.2.
Variant type: single nucleotide variant.
Coding change: c.1502A>G on transcript NM_017654.4 (MANE Select); coding-DNA position 1502, A replaced by G.
Protein change: p.Asp501Gly; replaces aspartic acid 501 with glycine.
Molecular consequence: missense variant.
Genome position (GRCh38, 1-based): chr7:93,104,596, T>C on the plus strand (A>G on the coding strand, the complement: SAMD9 is on the minus strand). VCF-style: chr7-93104596-T-C. GRCh37 (hg19) VCF-style: chr7-92733909-T-C.
Other names: c.1502A>G, p.Asp501Gly (NM_001193307.2); short protein forms D501G.
Identifiers: ClinVar variation 4629933 (VCV004629933.1).
Genomic context (GRCh38, chr7:93,104,596, plus strand): 5'-ACATCAGAAGCTCTTTCTCTTTGCCAGGAACTTGGATCAAAGGGTTTATATTTTTCACTG[T>C]CAAGGTCTAACCTGCCATTGCAGAAAATCCAGCTGGGTTGATGGTAAAGATTTAGAGTAG-3'
Protein context (NP_060124.2, residues 491-511): WIFCNGRLDL[Asp501Gly]SEKYKPFDPS

ClinVar aggregate classification (germline): Uncertain significance (1 of 4 stars; one submission).

Conditions:
Inborn genetic diseases. Identifiers: MedGen C0950123, MeSH D030342.

Submission:

Ambry Genetics
Classification: Uncertain significance for Inborn genetic diseases. Last evaluated: 2025-11-09. Review status: criteria provided, single submitter. Criteria: Ambry Variant Classification Scheme 2023. Collection method: clinical testing. Allele origin: germline.
Comment: The p.D501G variant (also known as c.1502A>G), located in coding exon 1 of the SAMD9 gene, results from an A to G substitution at nucleotide position 1502. The aspartic acid at codon 501 is replaced by glycine, an amino acid with similar properties. This amino acid position is conserved. In addition, this alteration is predicted to be tolerated by in silico analysis. Based on the available evidence, the clinical significance of this variant remains unclear.